The following is an entry in ClinVar:

ClinVar aggregate classification (germline): Uncertain significance. Review status: criteria provided, multiple submitters, no conflicts (2 of 4 stars). 2 submissions from 2 submitters: Uncertain significance (2). Last evaluated 2022-09-07.

Conditions:
Autosomal recessive limb-girdle muscular dystrophy type 2N. Also called: MUSCULAR DYSTROPHY-DYSTROGLYCANOPATHY, LIMB-GIRDLE, POMT2-RELATED; Muscular dystrophy-dystroglycanopathy (limb-girdle), type C, 2. Identifiers: Orphanet 206559, MedGen C3150418, MONDO:0013162, OMIM 613158.
Muscular dystrophy-dystroglycanopathy (congenital with brain and eye anomalies), type A2. Also called: MUSCULAR DYSTROPHY-DYSTROGLYCANOPATHY (CONGENITAL WITH BRAIN AND EYE ANOMALIES), TYPE A, 2; WALKER-WARBURG SYNDROME OR MUSCLE-EYE-BRAIN DISEASE, POMT2-RELATED. Identifiers: Orphanet 588, Orphanet 899, MedGen C3150411, MONDO:0013154, OMIM 613150.
Muscular dystrophy-dystroglycanopathy (congenital with impaired intellectual development), type B, 2. Also called: MUSCULAR DYSTROPHY, CONGENITAL, POMT2-RELATED; Muscular dystrophy-dystroglycanopathy (congenital with intellectual disability), type B2. Identifiers: MedGen C3150416, MONDO:0013160, OMIM 613156.

Allele frequency attached by ClinVar (database versions not stated): ExAC 0.00006; gnomAD exomes 0.00002; TOPMed 0.00003; ESP Exome Variant Server 0.00008; 1000 Genomes Project 0.00020; gnomAD 0.00006; 1000 Genomes Project 30x 0.00031.
gnomAD v4.1: 41 of 1,614,012 alleles (0.0025%); highest among the groups gnomAD compares: African/African-American, 0.017%; no homozygotes.

Submissions (2):

Labcorp Genetics (formerly Invitae), Labcorp
Classification: Uncertain significance for Muscular dystrophy-dystroglycanopathy (congenital with impaired intellectual development), type B, 2; Muscular dystrophy-dystroglycanopathy (congenital with brain and eye anomalies), type A2; Autosomal recessive limb-girdle muscular dystrophy type 2N. Last evaluated: 2022-09-07. Review status: criteria provided, single submitter. Criteria: Invitae Variant Classification Sherloc (09022015). Collection method: clinical testing. Allele origin: germline.
Comment: This sequence change replaces alanine, which is neutral and non-polar, with threonine, which is neutral and polar, at codon 606 of the POMT2 protein (p.Ala606Thr). This variant is present in population databases (rs201117837, gnomAD 0.03%). This variant has not been reported in the literature in individuals affected with POMT2-related conditions. Algorithms developed to predict the effect of missense changes on protein structure and function (SIFT, PolyPhen-2, Align-GVGD) all suggest that this variant is likely to be tolerated. In summary, the available evidence is currently insufficient to determine the role of this variant in disease. Therefore, it has been classified as a Variant of Uncertain Significance.

Blueprint Genetics
Classification: Uncertain significance. Last evaluated: 2022-07-14. Review status: criteria provided, single submitter. Criteria: ACMG Guidelines, 2015. Collection method: clinical testing. Allele origin: germline.

NM_013382.7(POMT2):c.1816G>A (p.Ala606Thr)

Gene: POMT2 (protein O-mannosyltransferase 2; minus strand). Cytogenetic location: 14q24.3.
Variant type: single nucleotide variant.
Coding change: c.1816G>A on transcript NM_013382.7 (MANE Select); coding-DNA position 1816, G replaced by A.
Protein change: p.Ala606Thr; replaces alanine 606 with threonine.
Molecular consequence: missense variant.
Genome position (GRCh38, 1-based): chr14:77,279,898, C>T on the plus strand (G>A on the coding strand, the complement: POMT2 is on the minus strand). VCF-style: chr14-77279898-C-T. GRCh37 (hg19) VCF-style: chr14-77746241-C-T.
Other names: short protein forms A606T.
Identifiers: ClinVar variation 1915694 (VCV001915694.3), dbSNP rs201117837, ClinGen allele CA7285676.
Genomic context (GRCh38, chr14:77,279,898, plus strand): 5'-GCAGCCGTGCCCCTCTCTGCATGGCTACAGCAATGATGCTCCCTGAGAGGAGGTAGAGGG[C>T]GATGCTCAACAGATTCAGCCACCAAACCACCTGTGCAGAAATGGGAATGGGCAGATGAGA-3'
Protein context (NP_037514.2, residues 596-616): VVWWLNLLSI[Ala606Thr]LYLLSGSIIA